The following is an entry in ClinVar:

NM_000179.3(MSH6):c.3841G>A (p.Glu1281Lys)

Gene: MSH6 (mutS homolog 6; plus strand). Cytogenetic location: 2p16.3.
Variant type: single nucleotide variant.
Coding change: c.3841G>A on transcript NM_000179.3 (MANE Select); coding-DNA position 3841, G replaced by A.
Protein change: p.Glu1281Lys; replaces glutamic acid 1281 with lysine.
Molecular consequence: missense variant.
Genome position (GRCh38, 1-based): chr2:47,806,491, G>A. VCF-style: chr2-47806491-G-A. GRCh37 (hg19) VCF-style: chr2-48033630-G-A.
Other names: c.3451G>A, p.Glu1151Lys (NM_001281492.2); c.2935G>A, p.Glu979Lys (NM_001281493.2, NM_001281494.2); short protein forms E1281K, E979K, E1151K.
Identifiers: ClinVar variation 455297 (VCV000455297.13), dbSNP rs876659115, ClinGen allele CA346761293.

ClinVar aggregate classification (germline): Uncertain significance. Review status: criteria provided, multiple submitters, no conflicts (2 of 4 stars). 2 submissions from 2 submitters: Uncertain significance (2). Last evaluated 2025-09-20.

Conditions:
Hereditary nonpolyposis colorectal neoplasms. Identifiers: MedGen C0009405, MeSH D003123.
Hereditary cancer-predisposing syndrome. Also called: Hereditary Cancer Syndrome; Hereditary neoplastic syndrome; Neoplastic Syndromes, Hereditary; Tumor predisposition. Identifiers: Orphanet 140162, MedGen C0027672, MeSH D009386, MONDO:0015356.

Submissions (2):

Labcorp Genetics (formerly Invitae), Labcorp
Classification: Uncertain significance for Hereditary nonpolyposis colorectal neoplasms. Last evaluated: 2025-09-20. Review status: criteria provided, single submitter. Criteria: Invitae Variant Classification Sherloc (09022015). Collection method: clinical testing. Allele origin: germline.
Comment: This sequence change replaces glutamic acid, which is acidic and polar, with lysine, which is basic and polar, at codon 1281 of the MSH6 protein (p.Glu1281Lys). This variant is not present in population databases (gnomAD no frequency). This variant has not been reported in the literature in individuals affected with MSH6-related conditions. ClinVar contains an entry for this variant (Variation ID: 455297). Invitae Evidence Modeling of protein sequence and biophysical properties (such as structural, functional, and spatial information, amino acid conservation, physicochemical variation, residue mobility, and thermodynamic stability) indicates that this missense variant is not expected to disrupt MSH6 protein function with a negative predictive value of 95%. In summary, the available evidence is currently insufficient to determine the role of this variant in disease. Therefore, it has been classified as a Variant of Uncertain Significance.

Ambry Genetics
Classification: Uncertain significance for Hereditary cancer-predisposing syndrome. Last evaluated: 2022-05-19. Review status: criteria provided, single submitter. Criteria: Ambry Variant Classification Scheme 2023. Collection method: clinical testing. Allele origin: germline.
Comment: The p.E1281K variant (also known as c.3841G>A), located in coding exon 9 of the MSH6 gene, results from a G to A substitution at nucleotide position 3841. The glutamic acid at codon 1281 is replaced by lysine, an amino acid with similar properties. This amino acid position is conserved. In addition, this alteration is predicted to be deleterious by in silico analysis. Since supporting evidence is limited at this time, the clinical significance of this alteration remains unclear.